The following is an entry in ClinVar:

NM_001378615.1(CC2D2A):c.4438-137T>C

Genes: CC2D2A (coiled-coil and C2 domain containing 2A; plus strand), FBXL5 (F-box and leucine rich repeat protein 5; minus strand). Cytogenetic location: 4p15.32.
Variant type: single nucleotide variant.
Coding change: c.4438-137T>C on transcript NM_001378615.1 (MANE Select); 137 bases into the intron before coding-DNA position 4438, T replaced by C.
Molecular consequence: intron variant.
Genome position (GRCh38, 1-based): chr4:15,597,270, T>C. VCF-style: chr4-15597270-T-C. GRCh37 (hg19) VCF-style: chr4-15598893-T-C.
Other names: c.4438-137T>C (NM_001080522.2); c.4291-137T>C (NM_001378617.1).
Identifiers: ClinVar variation 681417 (VCV000681417.1), dbSNP rs140464941, ClinGen allele CA92534870.

ClinVar aggregate classification (germline): Likely benign (1 of 4 stars; one submission).

Allele frequency attached by ClinVar (database versions not stated): gnomAD exomes 0.00037; 1000 Genomes Project 0.00359; TOPMed 0.00379; gnomAD 0.00380 and 0.00394; 1000 Genomes Project 30x 0.00390.
gnomAD v4.1: 803 of 690,194 alleles (0.12%); highest among the groups gnomAD compares: African/African-American, 1.3%; 9 homozygotes.

Submission:

GeneDx
Classification: Likely benign. Last evaluated: 2018-06-16. Review status: criteria provided, single submitter. Criteria: GeneDx Variant Classification (06012015). Collection method: clinical testing. Allele origin: germline. Affected: yes.
Comment: This variant is considered likely benign or benign based on one or more of the following criteria: it is a conservative change, it occurs at a poorly conserved position in the protein, it is predicted to be benign by multiple in silico algorithms, and/or has population frequency not consistent with disease.